The following is an entry in ClinVar:

NM_000535.7(PMS2):c.1099G>A (p.Val367Ile)

Gene: PMS2 (PMS1 homolog 2, mismatch repair system component; minus strand). Cytogenetic location: 7p22.1.
Variant type: single nucleotide variant.
Coding change: c.1099G>A on transcript NM_000535.7 (MANE Select); coding-DNA position 1099, G replaced by A.
Protein change: p.Val367Ile; replaces valine 367 with isoleucine.
Molecular consequence: missense variant. On other transcripts: non-coding transcript variant (1), intron variant (2).
Genome position (GRCh38, 1-based): chr7:5,989,845, C>T on the plus strand (G>A on the coding strand, the complement: PMS2 is on the minus strand). VCF-style: chr7-5989845-C-T. GRCh37 (hg19) VCF-style: chr7-6029476-C-T.
Other names: c.694G>A, p.Val232Ile (NM_001322003.2, NM_001322004.2, NM_001322005.2 and 1 more transcripts); c.781G>A, p.Val261Ile (NM_001322007.2, NM_001322008.2); c.166G>A, p.Val56Ile (NM_001322011.2, NM_001322012.2); c.526G>A, p.Val176Ile (NM_001322013.2); c.1099G>A, p.Val367Ile (NM_001322014.2); c.790G>A, p.Val264Ile (NM_001322015.2); c.583+2128G>A (NM_001322010.2); c.988+2128G>A (NM_001322006.2); short protein forms V367I, V261I, V56I, V232I, V264I, V176I.
Identifiers: ClinVar variation 237879 (VCV000237879.30), dbSNP rs746889239, ClinGen allele CA041931.

ClinVar aggregate classification (germline): Conflicting classifications of pathogenicity. Review status: criteria provided, conflicting classifications (1 of 4 stars). 9 submissions from 9 submitters: Uncertain significance (6); Benign (1); Likely benign (2). Last evaluated 2025-10-29.

Conditions:
Hereditary nonpolyposis colorectal neoplasms. Identifiers: MedGen C0009405, MeSH D003123.
Hereditary cancer-predisposing syndrome. Also called: Hereditary Cancer Syndrome; Tumor predisposition; Hereditary neoplastic syndrome; Neoplastic Syndromes, Hereditary. Identifiers: Orphanet 140162, MedGen C0027672, MeSH D009386, MONDO:0015356.
Lynch syndrome. Identifiers: Orphanet 144, MedGen C4552100, MONDO:0005835. Disease mechanism: loss of function.
Lynch syndrome 4 (LYNCH4). Also called: Hereditary non-polyposis colorectal cancer, type 4; Colorectal cancer, hereditary nonpolyposis, type 4. Identifiers: Orphanet 144, MedGen C1838333, MONDO:0013699, OMIM 614337. Disease mechanism: loss of function.

Allele frequency attached by ClinVar (database versions not stated): gnomAD below 0.00001 and 0.00001; gnomAD exomes 0.00002 and 0.00004; ExAC 0.00004.
gnomAD v4.1: 30 of 1,612,874 alleles (0.0019%); highest among the groups gnomAD compares: South Asian, 0.026%; no homozygotes.

Submissions (9):

Labcorp Genetics (formerly Invitae), Labcorp
Classification: Likely benign for Hereditary nonpolyposis colorectal neoplasms. Last evaluated: 2025-10-29. Review status: criteria provided, single submitter. Criteria: Invitae Variant Classification Sherloc (09022015). Collection method: clinical testing. Allele origin: germline.

Quest Diagnostics Nichols Institute San Juan Capistrano
Classification: Uncertain significance. Last evaluated: 2025-04-08. Review status: criteria provided, single submitter. Criteria: Quest Diagnostics criteria. Collection method: clinical testing. Allele origin: unknown.
Comment: The PMS2 c.1099G>A (p.Val367Ile) variant has been reported in an individual with breast cancer (PMID: 30093976 (2018)), and in several reportedly unaffected individuals (PMID: 33471991 (2021), see LOVD). The frequency of this variant in the general population (Genome Aggregation Database) is higher than would generally be expected for pathogenic variants in this gene. Analysis of this variant using bioinformatics tools for the prediction of the effect of amino acid changes on protein structure and function yielded predictions that this variant is benign. Based on the available information, we are unable to determine the clinical significance of this variant.

Color Diagnostics, LLC DBA Color Health
Classification: Benign for Hereditary cancer-predisposing syndrome. Last evaluated: 2024-10-17. Review status: criteria provided, single submitter. Criteria: ACMG Guidelines, 2015. Collection method: clinical testing. Allele origin: germline.

Ambry Genetics
Classification: Uncertain significance for Hereditary cancer-predisposing syndrome. Last evaluated: 2024-08-29. Review status: criteria provided, single submitter. Criteria: Ambry Variant Classification Scheme 2023. Collection method: clinical testing. Allele origin: germline.
Comment: The p.V367I variant (also known as c.1099G>A), located in coding exon 10 of the PMS2 gene, results from a G to A substitution at nucleotide position 1099. The valine at codon 367 is replaced by isoleucine, an amino acid with highly similar properties. This amino acid position is not well conserved in available vertebrate species. In addition, the in silico prediction for this alteration is inconclusive. Based on the available evidence, the clinical significance of this variant remains unclear.

Women's Health and Genetics/Laboratory Corporation of America, LabCorp
Classification: Uncertain significance. Last evaluated: 2023-11-17. Review status: criteria provided, single submitter. Criteria: LabCorp Variant Classification Summary - May 2015. Collection method: clinical testing. Allele origin: germline.
Comment: Variant summary: PMS2 c.1099G>A (p.Val367Ile) results in a conservative amino acid change in the encoded protein sequence. Three of four in-silico tools predict a benign effect of the variant on protein function. The variant allele was found at a frequency of 4.4e-05 in 251260 control chromosomes. This frequency is not significantly higher than estimated for a pathogenic variant in PMS2 causing Lynch Syndrome (4.4e-05 vs 0.00011), allowing no conclusion about variant significance. c.1099G>A has been reported in the literature as a VUS in settings of multigene panel testing for individuals affected with multiple primary cancers (example, Chan_2018). These report(s) do not provide unequivocal conclusions about association of the variant with Lynch Syndrome. To our knowledge, no experimental evidence demonstrating an impact on protein function has been reported. The following publication have been ascertained in the context of this evaluation (PMID: 30093976). Six submitters have cited clinical-significance assessments for this variant to ClinVar after 2014 (LB, n=1; VUS, n=5). Based on the evidence outlined above, the variant was classified as uncertain significance.

Blueprint Genetics
Classification: Uncertain significance. Last evaluated: 2023-09-22. Review status: criteria provided, single submitter. Criteria: ACMG Guidelines, 2015. Collection method: clinical testing. Allele origin: germline.

All of Us Research Program, National Institutes of Health
Classification: Likely benign for Lynch syndrome. Last evaluated: 2023-05-31. Review status: criteria provided, single submitter. Criteria: ACMG Guidelines, 2015. Collection method: clinical testing. Allele origin: germline. Inheritance: Autosomal dominant inheritance. Observed: 1 variant allele, 1 heterozygote.
Comment: This study involves interpretation of variants in research participants for the purpose of population health screening. Participant phenotype was not available at the time of variant classification. Additional details can be found in publication PMID: 35346344, PMCID: PMC8962531

GeneDx
Classification: Uncertain significance. Last evaluated: 2017-08-11. Review status: criteria provided, single submitter. Criteria: GeneDx Variant Classification (06012015). Collection method: clinical testing. Allele origin: germline. Affected: yes.
Comment: This variant is denoted PMS2 c.1099G>A at the cDNA level, p.Val367Ile (V367I) at the protein level, and results in the change of a Valine to an Isoleucine (GTC>ATC). This variant has not, to our knowledge, been published in the literature as pathogenic or benign. PMS2 Val367Ile was observed at an allele frequency of 0.03% (5/16510) in individuals of South Asian ancestry in large population cohorts (NHLBI Exome Sequencing Project, The 1000 Genomes Consortium 2015, Lek 2016). Since Valine and Isoleucine share similar properties, this is considered a conservative amino acid substitution. PMS2 Val367Ile occurs at a position where amino acids with properties similar to Valine are tolerated across species and is not located in a known functional domain. In silico analyses are inconsistent regarding the effect this variant may have on protein structure and function. Based on currently available evidence, it is unclear whether PMS2 Val367Ile is a pathogenic or benign variant. We consider it to be a variant of uncertain significance.

Illumina Laboratory Services, Illumina
Classification: Uncertain significance for Lynch syndrome 4. Last evaluated: 2017-04-27. Review status: criteria provided, single submitter. Criteria: ICSL Variant Classification Criteria 13 December 2019. Collection method: clinical testing. Allele origin: germline.

Literature cited by the submitters: PubMed 30093976 (cited by 3 submitters); PubMed 33471991 (cited by Quest Diagnostics Nichols Institute San Juan Capistrano).